The following is an entry in ClinVar:

ClinVar aggregate classification (germline): Likely pathogenic (1 of 4 stars; one submission).

gnomAD v4.1: 1 of 1,575,040 alleles (0.000063%); highest among the groups gnomAD compares: South Asian, 0.0012%; no homozygotes.

Submission:

Labcorp Genetics (formerly Invitae), Labcorp
Classification: Likely pathogenic. Last evaluated: 2023-03-23. Review status: criteria provided, single submitter. Criteria: Invitae Variant Classification Sherloc (09022015). Collection method: clinical testing. Allele origin: germline.
Comment: In summary, the currently available evidence indicates that the variant is pathogenic, but additional data are needed to prove that conclusively. Therefore, this variant has been classified as Likely Pathogenic. This sequence change affects a donor splice site in intron 5 of the OBSL1 gene. It is expected to disrupt RNA splicing. Variants that disrupt the donor or acceptor splice site typically lead to a loss of protein function (PMID: 16199547), and loss-of-function variants in OBSL1 are known to be pathogenic (PMID: 19481195, 19877176). This variant is not present in population databases (gnomAD no frequency). Disruption of this splice site has been observed in individual(s) with short stature and gracile bones (PMID: 24970356). This variant is also known as c.2134+1C>T. ClinVar contains an entry for this variant (Variation ID: 1066947). Algorithms developed to predict the effect of sequence changes on RNA splicing suggest that this variant may disrupt the consensus splice site.

Literature cited by the submitters: PubMed 16199547; PubMed 19481195; PubMed 19877176; PubMed 24970356.

NM_015311.3(OBSL1):c.2134+1G>A

Gene: OBSL1 (obscurin like cytoskeletal adaptor 1; minus strand). Cytogenetic location: 2q35.
Variant type: single nucleotide variant.
Coding change: c.2134+1G>A on transcript NM_015311.3 (MANE Select); the canonical splice donor site of the intron after coding-DNA position 2134, G replaced by A.
Molecular consequence: splice donor variant.
Genome position (GRCh38, 1-based): chr2:219,566,829, C>T on the plus strand (G>A on the coding strand, the complement: OBSL1 is on the minus strand). VCF-style: chr2-219566829-C-T. GRCh37 (hg19) VCF-style: chr2-220431551-C-T.
Other names: c.2134+1G>A (NM_001173431.2, NM_001173408.2).
Identifiers: ClinVar variation 1066947 (VCV001066947.9), dbSNP rs1696928123, ClinGen allele CA350753102.
Genomic context (GRCh38, chr2:219,566,829, plus strand): 5'-TGCCAACAGGACTTCTGTGTCTTGACCCTTTCTGCCCACTCAGGTCCCCACTGGCACCAA[C>T]CTTGGATTGTGAGGGCAGCTGAGTCCTGCACGCCGGGGCAGCTGAAGCCGACCAGGGCAC-3'